The following is an entry in ClinVar:

ClinVar aggregate classification (germline): Conflicting classifications of pathogenicity. Review status: criteria provided, conflicting classifications (1 of 4 stars). 3 submissions from 3 submitters: Uncertain significance (1); Likely benign (2). Last evaluated 2025-09-18.

Conditions:
Inborn genetic diseases. Identifiers: MedGen C0950123, MeSH D030342.

Allele frequency attached by ClinVar (database versions not stated): gnomAD 0.00003; TOPMed 0.00003; ExAC 0.00005.
gnomAD v4.1: 30 of 1,613,932 alleles (0.0019%); highest among the groups gnomAD compares: East Asian, 0.0067%; no homozygotes.

Submissions (3):

Labcorp Genetics (formerly Invitae), Labcorp
Classification: Uncertain significance. Last evaluated: 2025-09-18. Review status: criteria provided, single submitter. Criteria: Invitae Variant Classification Sherloc (09022015). Collection method: clinical testing. Allele origin: germline.
Comment: This sequence change replaces arginine, which is basic and polar, with cysteine, which is neutral and slightly polar, at codon 2521 of the KMT2A protein (p.Arg2521Cys). This variant is present in population databases (rs540886080, gnomAD 0.02%). This variant has not been reported in the literature in individuals affected with KMT2A-related conditions. ClinVar contains an entry for this variant (Variation ID: 2191058). Invitae Evidence Modeling of protein sequence and biophysical properties (such as structural, functional, and spatial information, amino acid conservation, physicochemical variation, residue mobility, and thermodynamic stability) indicates that this missense variant is not expected to disrupt KMT2A protein function with a negative predictive value of 95%. In summary, the available evidence is currently insufficient to determine the role of this variant in disease. Therefore, it has been classified as a Variant of Uncertain Significance.

Ambry Genetics
Classification: Likely benign for Inborn genetic diseases. Last evaluated: 2023-09-12. Review status: criteria provided, single submitter. Criteria: Ambry Variant Classification Scheme 2023. Collection method: clinical testing. Allele origin: germline.

CeGaT Center for Human Genetics Tuebingen
Classification: Likely benign. Last evaluated: 2023-01-01. Review status: criteria provided, single submitter. Criteria: CeGaT Center For Human Genetics Tuebingen Variant Classification Criteria Version 2. Collection method: clinical testing. Allele origin: germline. Affected: yes. Observed: 1 variant allele.
Comment: KMT2A: BP4

NM_001197104.2(KMT2A):c.7561C>T (p.Arg2521Cys)

Gene: KMT2A (lysine methyltransferase 2A; plus strand). Cytogenetic location: 11q23.3.
Variant type: single nucleotide variant.
Coding change: c.7561C>T on transcript NM_001197104.2 (MANE Select); coding-DNA position 7561, C replaced by T.
Protein change: p.Arg2521Cys; replaces arginine 2521 with cysteine.
Molecular consequence: missense variant.
Genome position (GRCh38, 1-based): chr11:118,503,453, C>T. VCF-style: chr11-118503453-C-T. GRCh37 (hg19) VCF-style: chr11-118374168-C-T.
Other names: c.7651C>T, p.Arg2551Cys (NM_001412597.1); c.7552C>T, p.Arg2518Cys (NM_005933.4); short protein forms R2551C, R2518C, R2521C.
Identifiers: ClinVar variation 2191058 (VCV002191058.30), dbSNP rs540886080, ClinGen allele CA6304413.